The following is an entry in ClinVar:

ClinVar aggregate classification (germline): Uncertain significance (1 of 4 stars; one submission).

Conditions:
Charcot-Marie-Tooth disease, type I (CMT1). Also called: Charcot-Marie-Tooth disease type 1; Charcot-Marie-Tooth, Type 1. Identifiers: Orphanet 65753, MedGen C0751036, MONDO:0019011.

Submission:

Labcorp Genetics (formerly Invitae), Labcorp
Classification: Uncertain significance for Charcot-Marie-Tooth disease, type I. Last evaluated: 2022-07-25. Review status: criteria provided, single submitter. Criteria: Invitae Variant Classification Sherloc (09022015). Collection method: clinical testing. Allele origin: germline.
Comment: ClinVar contains an entry for this variant (Variation ID: 1036653). This variant has not been reported in the literature in individuals affected with MPZ-related conditions. This variant is not present in population databases (gnomAD no frequency). This sequence change replaces aspartic acid, which is acidic and polar, with glycine, which is neutral and non-polar, at codon 109 of the MPZ protein (p.Asp109Gly). Algorithms developed to predict the effect of missense changes on protein structure and function (SIFT, PolyPhen-2, Align-GVGD) all suggest that this variant is likely to be disruptive. In summary, the available evidence is currently insufficient to determine the role of this variant in disease. Therefore, it has been classified as a Variant of Uncertain Significance. This variant disrupts the p.Asp109 amino acid residue in MPZ. Other variant(s) that disrupt this residue have been determined to be pathogenic (PMID: 10545037; Invitae). This suggests that this residue is clinically significant, and that variants that disrupt this residue are likely to be disease-causing.

Literature cited by the submitters: PubMed 10545037.

NM_000530.8(MPZ):c.326A>G (p.Asp109Gly)

Gene: MPZ (myelin protein zero; minus strand). Cytogenetic location: 1q23.3.
Variant type: single nucleotide variant.
Coding change: c.326A>G on transcript NM_000530.8 (MANE Select); coding-DNA position 326, A replaced by G.
Protein change: p.Asp109Gly; replaces aspartic acid 109 with glycine.
Molecular consequence: missense variant.
Genome position (GRCh38, 1-based): chr1:161,306,830, T>C on the plus strand (A>G on the coding strand, the complement: MPZ is on the minus strand). VCF-style: chr1-161306830-T-C. GRCh37 (hg19) VCF-style: chr1-161276620-T-C.
Other names: c.326A>G, p.Asp109Gly (NM_001315491.2); short protein forms D109G.
Identifiers: ClinVar variation 1036653 (VCV001036653.8), dbSNP rs1670264965, ClinGen allele CA343349329.
Genomic context (GRCh38, chr1:161,306,830, plus strand): 5'-ACGTCACAAGTGAACGTGCCATTGTCACTGTAGTCTAGGTTGTGTATGACAATGGAGCCA[T>C]CCTTCCAGCGAGGGTCCCCTACCCACTGGATGCGCTCTTTGAAGGTCCCCACCTCGTCAA-3'
Protein context (NP_000521.2, residues 99-119): IQWVGDPRWK[Asp109Gly]GSIVIHNLDY